The following is an entry in ClinVar:

NM_022367.4(SEMA4A):c.2038T>C (p.Tyr680His)

Gene: SEMA4A (semaphorin 4A; plus strand). Cytogenetic location: 1q22.
Variant type: single nucleotide variant.
Coding change: c.2038T>C on transcript NM_022367.4 (MANE Select); coding-DNA position 2038, T replaced by C.
Protein change: p.Tyr680His; replaces tyrosine 680 with histidine.
Molecular consequence: missense variant.
Genome position (GRCh38, 1-based): chr1:156,176,749, T>C. VCF-style: chr1-156176749-T-C. GRCh37 (hg19) VCF-style: chr1-156146540-T-C.
Other names: c.2038T>C, p.Tyr680His (NM_001193300.2, NM_001193301.2, NM_001370567.1); c.1642T>C, p.Tyr548His (NM_001193302.2); c.1741T>C, p.Tyr581His (NM_001370568.1); c.1531T>C, p.Tyr511His (NM_001370569.1, NM_001370571.1); short protein forms Y581H, Y511H, Y548H, Y680H.
Identifiers: ClinVar variation 835778 (VCV000835778.29), dbSNP rs141712100, ClinGen allele CA1155511.

ClinVar aggregate classification (germline): Uncertain significance. Review status: criteria provided, multiple submitters, no conflicts (2 of 4 stars). 4 submissions from 4 submitters: Uncertain significance (3). 1 of the submissions does not count toward it. Last evaluated 2026-01-19.

Conditions:
Retinal dystrophy. Also called: Inherited retinal dystrophy. Identifiers: Orphanet 71862, MedGen C0854723, MeSH D058499, MONDO:0019118, HP:0000556.

Allele frequency attached by ClinVar (database versions not stated): ExAC 0.00013; gnomAD exomes 0.00014 and 0.00023; gnomAD 0.00017 and 0.00018; TOPMed 0.00017; ESP Exome Variant Server 0.00038.
gnomAD v4.1: 360 of 1,612,504 alleles (0.022%); highest among the groups gnomAD compares: Non-Finnish European, 0.029%; no homozygotes.

Submissions (4):

Labcorp Genetics (formerly Invitae), Labcorp
Classification: Uncertain significance. Last evaluated: 2026-01-19. Review status: criteria provided, single submitter. Criteria: Invitae Variant Classification Sherloc (09022015). Collection method: clinical testing. Allele origin: germline.
Comment: This sequence change replaces tyrosine, which is neutral and polar, with histidine, which is basic and polar, at codon 680 of the SEMA4A protein (p.Tyr680His). This variant is present in population databases (rs141712100, gnomAD 0.03%). This variant has not been reported in the literature in individuals affected with SEMA4A-related conditions. ClinVar contains an entry for this variant (Variation ID: 835778). Invitae Evidence Modeling of protein sequence and biophysical properties (such as structural, functional, and spatial information, amino acid conservation, physicochemical variation, residue mobility, and thermodynamic stability) indicates that this missense variant is not expected to disrupt SEMA4A protein function with a negative predictive value of 80%. In summary, the available evidence is currently insufficient to determine the role of this variant in disease. Therefore, it has been classified as a Variant of Uncertain Significance.

Blueprint Genetics
Classification: Uncertain significance. Last evaluated: 2024-10-07. Review status: criteria provided, single submitter. Criteria: ACMG Guidelines, 2015. Collection method: clinical testing. Allele origin: germline.

CeGaT Center for Human Genetics Tuebingen
Classification: Uncertain significance. Last evaluated: 2024-02-01. Review status: criteria provided, single submitter. Criteria: CeGaT Center For Human Genetics Tuebingen Variant Classification Criteria Version 2. Collection method: clinical testing. Allele origin: germline. Affected: yes. Observed: 1 variant allele.

Institute of Human Genetics, Univ. Regensburg, Univ. Regensburg
Classification: Uncertain significance for Retinal dystrophy. Last evaluated: 2018-01-01. Review status: no assertion criteria provided. Criteria: ACMG Guidelines, 2015. Collection method: clinical testing. Allele origin: germline. Affected: yes. Not counted in ClinVar's aggregate classification.